The following is an entry in ClinVar:

ClinVar aggregate classification (germline): Uncertain significance (1 of 4 stars; one submission).

Conditions:
Charcot-Marie-Tooth disease type 2. Also called: Charcot-Marie-Tooth type 2. Identifiers: Orphanet 64746, MedGen C0270914, MONDO:0018993.

Submission:

Labcorp Genetics (formerly Invitae), Labcorp
Classification: Uncertain significance for Charcot-Marie-Tooth disease type 2. Last evaluated: 2025-04-30. Review status: criteria provided, single submitter. Criteria: Invitae Variant Classification Sherloc (09022015). Collection method: clinical testing. Allele origin: germline.
Comment: This sequence change replaces glutamine, which is neutral and polar, with glutamic acid, which is acidic and polar, at codon 45 of the MFN2 protein (p.Gln45Glu). This variant is not present in population databases (gnomAD no frequency). This variant has not been reported in the literature in individuals affected with MFN2-related conditions. Invitae Evidence Modeling of protein sequence and biophysical properties (such as structural, functional, and spatial information, amino acid conservation, physicochemical variation, residue mobility, and thermodynamic stability) indicates that this missense variant is not expected to disrupt MFN2 protein function with a negative predictive value of 80%. In summary, the available evidence is currently insufficient to determine the role of this variant in disease. Therefore, it has been classified as a Variant of Uncertain Significance.

NM_014874.4(MFN2):c.133C>G (p.Gln45Glu)

Gene: MFN2 (mitofusin 2; plus strand). Cytogenetic location: 1p36.22.
Variant type: single nucleotide variant.
Coding change: c.133C>G on transcript NM_014874.4 (MANE Select); coding-DNA position 133, C replaced by G.
Protein change: p.Gln45Glu; replaces glutamine 45 with glutamic acid.
Molecular consequence: missense variant.
Genome position (GRCh38, 1-based): chr1:11,989,301, C>G. VCF-style: chr1-11989301-C-G. GRCh37 (hg19) VCF-style: chr1-12049358-C-G.
Other names: c.133C>G, p.Gln45Glu (NM_001127660.2); short protein forms Q45E.
Identifiers: ClinVar variation 4709693 (VCV004709693.1).